The following is an entry in ClinVar:

ClinVar aggregate classification (germline): Uncertain significance (1 of 4 stars; one submission).

Submission:

Ambry Genetics
Classification: Uncertain significance. Last evaluated: 2025-12-08. Review status: criteria provided, single submitter. Criteria: Ambry Variant Classification Scheme 2023. Collection method: clinical testing. Allele origin: germline.
Comment: The p.N581I variant (also known as c.1742A>T), located in coding exon 13 of the RECQL gene, results from an A to T substitution at nucleotide position 1742. The asparagine at codon 581 is replaced by isoleucine, an amino acid with dissimilar properties. This amino acid position is conserved. In addition, this alteration is predicted to be tolerated by in silico analysis. Since supporting evidence is limited at this time, the clinical significance of this alteration remains unclear.

NM_002907.4(RECQL):c.1742A>T (p.Asn581Ile)

Genes: PYROXD1 (pyridine nucleotide-disulphide oxidoreductase domain 1; plus strand), RECQL (RecQ like helicase; minus strand). Cytogenetic location: 12p12.1.
Variant type: single nucleotide variant.
Coding change: c.1742A>T on transcript NM_002907.4 (MANE Select); coding-DNA position 1742, A replaced by T.
Protein change: p.Asn581Ile; replaces asparagine 581 with isoleucine.
Molecular consequence: missense variant. On other transcripts: 3 prime UTR variant (3).
Genome position (GRCh38, 1-based): chr12:21,471,024, T>A on the plus strand (A>T on the coding strand, the complement: RECQL is on the minus strand). VCF-style: chr12-21471024-T-A. GRCh37 (hg19) VCF-style: chr12-21623958-T-A.
Other names: c.1742A>T, p.Asn581Ile (NM_032941.3); c.*2270T>A (NM_001350912.2, NM_001350913.2, NM_024854.5); short protein forms N581I.
Identifiers: ClinVar variation 2565581 (VCV002565581.3), dbSNP rs758132730, ClinGen allele CA384114517.